The following is an entry in ClinVar:

ClinVar aggregate classification (germline): Uncertain significance. Review status: criteria provided, single submitter (1 of 4 stars). 2 submissions from 2 submitters: Uncertain significance (1). 1 of the submissions does not count toward it. Last evaluated 2025-03-18.

Conditions:
Hereditary cancer-predisposing syndrome. Also called: Hereditary Cancer Syndrome; Neoplastic Syndromes, Hereditary; Hereditary neoplastic syndrome; Tumor predisposition. Identifiers: Orphanet 140162, MedGen C0027672, MeSH D009386, MONDO:0015356.
T-cell prolymphocytic leukemia. Identifiers: Orphanet 86871, MedGen C2363142, MONDO:0019468.

Submissions (2):

Ambry Genetics
Classification: Uncertain significance for Hereditary cancer-predisposing syndrome. Last evaluated: 2025-03-18. Review status: criteria provided, single submitter. Criteria: Ambry Variant Classification Scheme 2023. Collection method: clinical testing. Allele origin: germline.
Comment: The p.D1682H variant (also known as c.5044G>C), located in coding exon 33 of the ATM gene, results from a G to C substitution at nucleotide position 5044. The aspartic acid at codon 1682 is replaced by histidine, an amino acid with similar properties. This amino acid position is well conserved in available vertebrate species. In addition, the in silico prediction for this alteration is inconclusive. Based on the available evidence, the clinical significance of this variant remains unclear.

OMIM
Classification: Pathogenic for T-CELL PROLYMPHOCYTIC LEUKEMIA, SOMATIC. Last evaluated: 1997-09-01. Review status: no assertion criteria provided. Collection method: literature only. Allele origin: somatic. Not counted in ClinVar's aggregate classification.

Literature cited by the submitters: PubMed 9288106 (cited by OMIM).

NM_000051.4(ATM):c.5044G>C (p.Asp1682His)

Gene: ATM (ATM serine/threonine kinase; plus strand). Cytogenetic location: 11q22.3.
Variant type: single nucleotide variant.
Coding change: c.5044G>C on transcript NM_000051.4 (MANE Select); coding-DNA position 5044, G replaced by C.
Protein change: p.Asp1682His; replaces aspartic acid 1682 with histidine.
Molecular consequence: missense variant.
Genome position (GRCh38, 1-based): chr11:108,299,752, G>C. VCF-style: chr11-108299752-G-C. GRCh37 (hg19) VCF-style: chr11-108170479-G-C.
Other names: c.5044G>C, p.Asp1682His (NM_001351834.2); short protein forms D1682H.
Identifiers: ClinVar variation 3026 (VCV000003026.4), dbSNP rs121434217, ClinGen allele CA115932.
Genomic context (GRCh38, chr11:108,299,752, plus strand): 5'-GAAATAGAATTTCTATATGTAGAGGCTGTTGGAAGCTGCTTGGGAGAAGTGGGTCCTATA[G>C]ATTTCTCTACCATAGCTATACAACATAGTAAAGATGCATCTTATACCAAGGCCCTTAAGT-3'
Protein context (NP_000042.3, residues 1672-1692): GSCLGEVGPI[Asp1682His]FSTIAIQHSK